The following is an entry in ClinVar:

NM_001371928.1(AHDC1):c.1594G>A (p.Val532Met)

Gene: AHDC1 (AT-hook DNA binding motif containing 1; minus strand). Cytogenetic location: 1p36.11.
Variant type: single nucleotide variant.
Coding change: c.1594G>A on transcript NM_001371928.1 (MANE Select); coding-DNA position 1594, G replaced by A.
Protein change: p.Val532Met; replaces valine 532 with methionine.
Molecular consequence: missense variant.
Genome position (GRCh38, 1-based): chr1:27,550,522, C>T on the plus strand (G>A on the coding strand, the complement: AHDC1 is on the minus strand). VCF-style: chr1-27550522-C-T. GRCh37 (hg19) VCF-style: chr1-27877033-C-T.
Other names: c.1594G>A, p.Val532Met (NM_001029882.3); short protein forms V532M.
Identifiers: ClinVar variation 2870012 (VCV002870012.3), dbSNP rs751492365, ClinGen allele CA715917.

ClinVar aggregate classification (germline): Uncertain significance (1 of 4 stars; one submission).

Allele frequency attached by ClinVar (database versions not stated): gnomAD exomes below 0.00001; TOPMed below 0.00001; ExAC 0.00001.
gnomAD v4.1: 1 of 1,610,882 alleles (0.000062%); highest among the groups gnomAD compares: Non-Finnish European, 0.000085%; no homozygotes.

Submission:

Labcorp Genetics (formerly Invitae), Labcorp
Classification: Uncertain significance. Last evaluated: 2024-01-13. Review status: criteria provided, single submitter. Criteria: Invitae Variant Classification Sherloc (09022015). Collection method: clinical testing. Allele origin: germline.
Comment: This sequence change replaces valine, which is neutral and non-polar, with methionine, which is neutral and non-polar, at codon 532 of the AHDC1 protein (p.Val532Met). This variant is present in population databases (rs751492365, gnomAD 0.0009%). This variant has not been reported in the literature in individuals affected with AHDC1-related conditions. An algorithm developed to predict the effect of missense changes on protein structure and function (PolyPhen-2) suggests that this variant is likely to be disruptive. In summary, the available evidence is currently insufficient to determine the role of this variant in disease. Therefore, it has been classified as a Variant of Uncertain Significance.